The following is an entry in ClinVar:

ClinVar aggregate classification (germline): Uncertain significance (1 of 4 stars; one submission).

Conditions:
Nephronophthisis 14 (NPHP14). Identifiers: Orphanet 2318, MedGen C3539071, MONDO:0013916, OMIM 614844.

Allele frequency attached by ClinVar (database versions not stated): TOPMed below 0.00001; gnomAD 0.00001; ExAC 0.00002; gnomAD exomes 0.00002.
gnomAD v4.1: 30 of 1,613,220 alleles (0.0019%); highest among the groups gnomAD compares: East Asian, 0.011%; no homozygotes.

Submission:

Labcorp Genetics (formerly Invitae), Labcorp
Classification: Uncertain significance for Nephronophthisis 14. Last evaluated: 2022-05-06. Review status: criteria provided, single submitter. Criteria: Invitae Variant Classification Sherloc (09022015). Collection method: clinical testing. Allele origin: germline.
Comment: This sequence change replaces glutamic acid, which is acidic and polar, with lysine, which is basic and polar, at codon 915 of the ZNF423 protein (p.Glu915Lys). This variant is present in population databases (rs775773432, gnomAD 0.03%). This variant has not been reported in the literature in individuals affected with ZNF423-related conditions. Algorithms developed to predict the effect of missense changes on protein structure and function (SIFT, PolyPhen-2, Align-GVGD) all suggest that this variant is likely to be tolerated. In summary, the available evidence is currently insufficient to determine the role of this variant in disease. Therefore, it has been classified as a Variant of Uncertain Significance.

NM_001379286.1(ZNF423):c.2767G>A (p.Glu923Lys)

Gene: ZNF423 (zinc finger protein 423; minus strand). Cytogenetic location: 16q12.1.
Variant type: single nucleotide variant.
Coding change: c.2767G>A on transcript NM_001379286.1 (MANE Select); coding-DNA position 2767, G replaced by A.
Protein change: p.Glu923Lys; replaces glutamic acid 923 with lysine.
Molecular consequence: missense variant.
Genome position (GRCh38, 1-based): chr16:49,636,409, C>T on the plus strand (G>A on the coding strand, the complement: ZNF423 is on the minus strand). VCF-style: chr16-49636409-C-T. GRCh37 (hg19) VCF-style: chr16-49670320-C-T.
Other names: c.2563G>A, p.Glu855Lys (NM_001271620.2); c.2392G>A, p.Glu798Lys (NM_001330533.2); c.2743G>A, p.Glu915Lys (NM_015069.5); short protein forms E855K, E915K, E798K, E923K.
Identifiers: ClinVar variation 2068540 (VCV002068540.2), dbSNP rs775773432, ClinGen allele CA8046432.
Genomic context (GRCh38, chr16:49,636,409, plus strand): 5'-AAACGTTGCACTTGTGACTGCCCTTGATAAACTCAGCCTTCTTGCGTGAGCCATCATCCT[C>T]GCCCGGCCGGATATTGTGGTCCCGCAGCCGGTGATTCTGCAGCAGCACCTCCATGGTGTA-3'
Protein context (NP_001366215.1, residues 913-933): RLRDHNIRPG[Glu923Lys]DDGSRKKAEF